The following is an entry in ClinVar:

NM_002900.3(RBP3):c.2462C>T (p.Thr821Met)

Gene: RBP3 (retinol binding protein 3; plus strand). Cytogenetic location: 10q11.22.
Variant type: single nucleotide variant.
Coding change: c.2462C>T on transcript NM_002900.3 (MANE Select); coding-DNA position 2462, C replaced by T.
Protein change: p.Thr821Met; replaces threonine 821 with methionine.
Molecular consequence: missense variant.
Genome position (GRCh38, 1-based): chr10:47,350,946, C>T. VCF-style: chr10-47350946-C-T. GRCh37 (hg19) VCF-style: chr10-48388416-G-A.
Other names: short protein forms T821M.
Identifiers: ClinVar variation 1051815 (VCV001051815.7), dbSNP rs782069869, ClinGen allele CA5487279.

ClinVar aggregate classification (germline): Conflicting classifications of pathogenicity. Review status: criteria provided, conflicting classifications (1 of 4 stars). 2 submissions from 2 submitters: Uncertain significance (1); Likely benign (1). Last evaluated 2021-10-27.

Allele frequency attached by ClinVar (database versions not stated): gnomAD exomes 0.00002 and 0.00006; ExAC 0.00003; gnomAD 0.00003; TOPMed 0.00004.
gnomAD v4.1: 95 of 1,612,798 alleles (0.0059%); highest among the groups gnomAD compares: Non-Finnish European, 0.0078%; no homozygotes.

Submissions (2):

Blueprint Genetics
Classification: Likely benign. Last evaluated: 2021-10-27. Review status: criteria provided, single submitter. Criteria: ACMG Guidelines, 2015. Collection method: clinical testing. Allele origin: germline.

Labcorp Genetics (formerly Invitae), Labcorp
Classification: Uncertain significance. Last evaluated: 2021-08-27. Review status: criteria provided, single submitter. Criteria: Invitae Variant Classification Sherloc (09022015). Collection method: clinical testing. Allele origin: germline.
Comment: This sequence change replaces threonine with methionine at codon 821 of the RBP3 protein (p.Thr821Met). The threonine residue is highly conserved and there is a moderate physicochemical difference between threonine and methionine. This variant is present in population databases (rs782069869, ExAC 0.01%). This variant has not been reported in the literature in individuals affected with RBP3-related conditions. Algorithms developed to predict the effect of missense changes on protein structure and function output the following: SIFT: "Tolerated"; PolyPhen-2: "Probably Damaging"; Align-GVGD: "Class C0". The methionine amino acid residue is found in multiple mammalian species, which suggests that this missense change does not adversely affect protein function. In summary, the available evidence is currently insufficient to determine the role of this variant in disease. Therefore, it has been classified as a Variant of Uncertain Significance.